The following is an entry in ClinVar:

ClinVar aggregate classification (germline): Conflicting classifications of pathogenicity. Review status: criteria provided, conflicting classifications (1 of 4 stars). 5 submissions from 5 submitters: Uncertain significance (2); Benign (1); Likely benign (2). Last evaluated 2026-01-27.

Conditions:
Hereditary cancer-predisposing syndrome. Also called: Hereditary neoplastic syndrome; Tumor predisposition; Neoplastic Syndromes, Hereditary; Hereditary Cancer Syndrome. Identifiers: Orphanet 140162, MedGen C0027672, MeSH D009386, MONDO:0015356.
Tuberous sclerosis syndrome (TSC). Also called: Tuberous sclerosis; Tuberous Sclerosis Complex. Identifiers: Orphanet 805, MedGen C0041341, MONDO:0001734.
Tuberous sclerosis 2 (TSC2). Identifiers: Orphanet 805, MedGen C1860707, MONDO:0013199, OMIM 613254.

Allele frequency attached by ClinVar (database versions not stated): TOPMed below 0.00001; ExAC 0.00001; gnomAD 0.00001; gnomAD exomes 0.00001.
gnomAD v4.1: 3 of 1,614,006 alleles (0.00019%); highest among the groups gnomAD compares: Admixed American, 0.0033%; no homozygotes.

Submissions (5):

Labcorp Genetics (formerly Invitae), Labcorp
Classification: Benign for Tuberous sclerosis 2. Last evaluated: 2026-01-27. Review status: criteria provided, single submitter. Criteria: Invitae Variant Classification Sherloc (09022015). Collection method: clinical testing. Allele origin: germline.

Ambry Genetics
Classification: Uncertain significance for Hereditary cancer-predisposing syndrome. Last evaluated: 2024-06-19. Review status: criteria provided, single submitter. Criteria: Ambry Variant Classification Scheme 2023. Collection method: clinical testing. Allele origin: germline.
Comment: The p.S716F variant (also known as c.2147C>T), located in coding exon 19 of the TSC2 gene, results from a C to T substitution at nucleotide position 2147. The serine at codon 716 is replaced by phenylalanine, an amino acid with highly dissimilar properties. This amino acid position is not well conserved in available vertebrate species. In addition, this alteration is predicted to be deleterious by in silico analysis. Based on the available evidence, the clinical significance of this variant remains unclear.

All of Us Research Program, National Institutes of Health
Classification: Uncertain significance for Tuberous sclerosis syndrome. Last evaluated: 2023-10-27. Review status: criteria provided, single submitter. Criteria: ACMG Guidelines, 2015. Collection method: clinical testing. Allele origin: germline. Inheritance: Autosomal dominant inheritance. Observed: 2 variant alleles, 2 heterozygotes.
Comment: This missense variant replaces serine with phenylalanine at codon 716 of the TSC2 protein. Computational prediction is inconclusive regarding the impact of this variant on protein structure and function (internally defined REVEL score threshold 0.5 < inconclusive < 0.7, PMID: 27666373). To our knowledge, functional studies have not been reported for this variant. This variant has not been reported in individuals affected with TSC2-related disorders in the literature. This variant has been identified in 2/251194 chromosomes in the general population by the Genome Aggregation Database (gnomAD). The available evidence is insufficient to determine the role of this variant in disease conclusively. Therefore, this variant is classified as a Variant of Uncertain Significance.

This study involves interpretation of variants in research participants for the purpose of population health screening. Participant phenotype was not available at the time of variant classification. Additional details can be found in publication PMID: 35346344, PMCID: PMC8962531

Genome-Nilou Lab
Classification: Likely benign for Tuberous sclerosis 2. Last evaluated: 2021-11-07. Review status: criteria provided, single submitter. Criteria: ACMG Guidelines, 2015. Collection method: clinical testing. Allele origin: germline. Affected: no.

GeneDx
Classification: Likely benign. Last evaluated: 2016-04-01. Review status: criteria provided, single submitter. Criteria: GeneDx Variant Classification (06012015). Collection method: clinical testing. Allele origin: germline. Affected: yes.
Comment: This variant is considered likely benign or benign based on one or more of the following criteria: it is a conservative change, it occurs at a poorly conserved position in the protein, it is predicted to be benign by multiple in silico algorithms, and/or has population frequency not consistent with disease.

NM_000548.5(TSC2):c.2147C>T (p.Ser716Phe)

Gene: TSC2 (TSC complex subunit 2; plus strand). Cytogenetic location: 16p13.3.
Variant type: single nucleotide variant.
Coding change: c.2147C>T on transcript NM_000548.5 (MANE Select); coding-DNA position 2147, C replaced by T.
Protein change: p.Ser716Phe; replaces serine 716 with phenylalanine.
Molecular consequence: missense variant.
Genome position (GRCh38, 1-based): chr16:2,072,290, C>T. VCF-style: chr16-2072290-C-T. GRCh37 (hg19) VCF-style: chr16-2122291-C-T.
Other names: c.2147C>T, p.Ser716Phe (NM_001077183.3, NM_001114382.3, NM_001363528.2 and 3 more transcripts); c.2036C>T, p.Ser679Phe (NM_001318827.2); c.2000C>T, p.Ser667Phe (NM_001318829.2); c.1547C>T, p.Ser516Phe (NM_001318831.2); c.2180C>T, p.Ser727Phe (NM_001318832.2); short protein forms S716F, S679F, S667F, S727F, S516F.
Identifiers: ClinVar variation 380717 (VCV000380717.15), dbSNP rs781153452, ClinGen allele CA036848.